The following is an entry in ClinVar:

NM_000038.6(APC):c.3449A>T (p.Glu1150Val)

Gene: APC (APC regulator of Wnt signaling pathway; plus strand). Cytogenetic location: 5q22.2.
Variant type: single nucleotide variant.
Coding change: c.3449A>T on transcript NM_000038.6 (MANE Select); coding-DNA position 3449, A replaced by T.
Protein change: p.Glu1150Val; replaces glutamic acid 1150 with valine.
Molecular consequence: missense variant.
Genome position (GRCh38, 1-based): chr5:112,839,043, A>T. VCF-style: chr5-112839043-A-T. GRCh37 (hg19) VCF-style: chr5-112174740-A-T.
Other names: c.3449A>T, p.Glu1150Val (NM_001127510.3, NM_001354895.2); c.3395A>T, p.Glu1132Val (NM_001127511.3); c.3503A>T, p.Glu1168Val (NM_001354896.2); c.3479A>T, p.Glu1160Val (NM_001354897.2); c.3374A>T, p.Glu1125Val (NM_001354898.2); c.3365A>T, p.Glu1122Val (NM_001354899.2); c.3326A>T, p.Glu1109Val (NM_001354900.2); c.3272A>T, p.Glu1091Val (NM_001354901.2); and 5 more; short protein forms E1122V, E1132V, E1168V, E990V, E1024V, E1049V, E1160V, E1059V.
Identifiers: ClinVar variation 836649 (VCV000836649.13), dbSNP rs1765426559, ClinGen allele CA16028896.

ClinVar aggregate classification (germline): Uncertain significance. Review status: criteria provided, multiple submitters, no conflicts (2 of 4 stars). 2 submissions from 2 submitters: Uncertain significance (2). Last evaluated 2019-11-19.

Conditions:
Hereditary cancer-predisposing syndrome. Also called: Hereditary neoplastic syndrome; Neoplastic Syndromes, Hereditary; Tumor predisposition; Hereditary Cancer Syndrome. Identifiers: Orphanet 140162, MedGen C0027672, MeSH D009386, MONDO:0015356.
Familial adenomatous polyposis 1 (FAP1). Also called: POLYPOSIS, ADENOMATOUS INTESTINAL; FAMILIAL ADENOMATOUS POLYPOSIS 1, ATTENUATED. Identifiers: MedGen C2713442, MONDO:0021056, OMIM 175100. Disease mechanism: loss of function.

Submissions (2):

Labcorp Genetics (formerly Invitae), Labcorp
Classification: Uncertain significance for Familial adenomatous polyposis 1. Last evaluated: 2019-11-19. Review status: criteria provided, single submitter. Criteria: Invitae Variant Classification Sherloc (09022015). Collection method: clinical testing. Allele origin: germline.
Comment: In summary, the available evidence is currently insufficient to determine the role of this variant in disease. Therefore, it has been classified as a Variant of Uncertain Significance. Algorithms developed to predict the effect of missense changes on protein structure and function are either unavailable or do not agree on the potential impact of this missense change (SIFT: "Deleterious"; PolyPhen-2: "Probably Damaging"; Align-GVGD: "Class C0"). This variant has not been reported in the literature in individuals with APC-related conditions. This variant is not present in population databases (ExAC no frequency). This sequence change replaces glutamic acid with valine at codon 1150 of the APC protein (p.Glu1150Val). The glutamic acid residue is highly conserved and there is a moderate physicochemical difference between glutamic acid and valine.

Ambry Genetics
Classification: Uncertain significance for Hereditary cancer-predisposing syndrome. Last evaluated: 2016-06-30. Review status: criteria provided, single submitter. Criteria: Ambry Variant Classification Scheme 2023. Collection method: clinical testing. Allele origin: germline.
Comment: The p.E1150V variant (also known as c.3449A>T), located in coding exon 15 of the APC gene, results from an A to T substitution at nucleotide position 3449. The glutamic acid at codon 1150 is replaced by valine, an amino acid with dissimilar properties. This variant was not reported in population based cohorts in the following databases: Database of Single Nucleotide Polymorphisms (dbSNP), NHLBI Exome Sequencing Project (ESP), and 1000 Genomes Project. In the ESP, this variant was not observed in 6502 samples (13004 alleles) with coverage at this position. To date, this alteration has been detected with an allele frequency of approximately 0.001% (greater than 90000 alleles tested) in our clinical cohort. This amino acid position is highly conserved in available vertebrate species. In addition, in silico predictors for this gene do not accurately predict pathogenicity. Since supporting evidence is limited at this time, the clinical significance of this alteration remains unclear.